The following is an entry in ClinVar:

NM_001005273.3(CHD3):c.3877G>A (p.Val1293Met)

Gene: CHD3 (chromodomain helicase DNA binding protein 3; plus strand). Cytogenetic location: 17p13.1.
Variant type: single nucleotide variant.
Coding change: c.3877G>A on transcript NM_001005273.3 (MANE Select); coding-DNA position 3877, G replaced by A.
Protein change: p.Val1293Met; replaces valine 1293 with methionine.
Molecular consequence: missense variant.
Genome position (GRCh38, 1-based): chr17:7,903,974, G>A. VCF-style: chr17-7903974-G-A. GRCh37 (hg19) VCF-style: chr17-7807292-G-A.
Other names: c.4054G>A, p.Val1352Met (NM_001005271.3); c.3877G>A, p.Val1293Met (NM_005852.4); c.4054G>A (NM_001005271.2); short protein forms V1293M, V1352M.
Identifiers: ClinVar variation 2576575 (VCV002576575.5), dbSNP rs2545018939, ClinGen allele CA397943889.

ClinVar aggregate classification (germline): Conflicting classifications of pathogenicity. Review status: criteria provided, conflicting classifications (1 of 4 stars). 2 submissions from 2 submitters: Likely pathogenic (1); Uncertain significance (1). Last evaluated 2025-07-30.

Conditions:
Snijders Blok-Campeau syndrome. Also called: INTELLECTUAL DEVELOPMENTAL DISORDER WITH MACROCEPHALY, SPEECH DELAY, AND DYSMORPHIC FACIES. Identifiers: Orphanet 599082, MedGen C4748701, MONDO:0032600, OMIM 618205.

Submissions (2):

GeneDx
Classification: Uncertain significance. Last evaluated: 2025-07-30. Review status: criteria provided, single submitter. Criteria: GeneDx Variant Classification Process June 2021. Collection method: clinical testing. Allele origin: germline. Affected: yes.
Comment: Not observed at significant frequency in large population cohorts (gnomAD); In silico analysis suggests that this missense variant does not alter protein structure/function; Has not been previously published as pathogenic or benign to our knowledge

Institute of Human Genetics, University of Leipzig Medical Center
Classification: Likely pathogenic for Snijders Blok-Campeau syndrome. Last evaluated: 2023-08-11. Review status: criteria provided, single submitter. Criteria: ACMG Guidelines, 2015. Collection method: clinical testing. Allele origin: maternal. Inheritance: Autosomal dominant inheritance. Affected: yes.
Comment: Criteria applied: PM2,PM5_SUP,PP2,PP3,PP1